The following is an entry in ClinVar:

ClinVar aggregate classification (germline): Conflicting classifications of pathogenicity. Review status: criteria provided, conflicting classifications (1 of 4 stars). 2 submissions from 2 submitters: Uncertain significance (1); Likely benign (1). Last evaluated 2023-09-13.

Allele frequency attached by ClinVar (database versions not stated): gnomAD 0.00005; ESP Exome Variant Server 0.00009; TOPMed 0.00009; ExAC 0.00012; gnomAD exomes 0.00012.
gnomAD v4.1: 137 of 1,200,351 alleles (0.011%); highest among the groups gnomAD compares: Middle Eastern, 0.18%; no homozygotes.

Submissions (2):

Ambry Genetics
Classification: Uncertain significance. Last evaluated: 2023-09-13. Review status: criteria provided, single submitter. Criteria: Ambry Variant Classification Scheme 2023. Collection method: clinical testing. Allele origin: germline.

CeGaT Center for Human Genetics Tuebingen
Classification: Likely benign. Last evaluated: 2023-02-01. Review status: criteria provided, single submitter. Criteria: CeGaT Center For Human Genetics Tuebingen Variant Classification Criteria Version 2. Collection method: clinical testing. Allele origin: germline. Affected: yes. Observed: 1 variant allele.
Comment: CNGA2: BS2

NM_005140.3(CNGA2):c.106A>G (p.Ser36Gly)

Gene: CNGA2 (cyclic nucleotide gated channel subunit alpha 2; plus strand). Cytogenetic location: Xq28.
Variant type: single nucleotide variant.
Coding change: c.106A>G on transcript NM_005140.3 (MANE Select); coding-DNA position 106, A replaced by G.
Protein change: p.Ser36Gly; replaces serine 36 with glycine.
Molecular consequence: missense variant.
Genome position (GRCh38, 1-based): chrX:151,738,589, A>G. VCF-style: chrX-151738589-A-G. GRCh37 (hg19) VCF-style: chrX-150907061-A-G.
Other names: short protein forms S36G.
Identifiers: ClinVar variation 2590515 (VCV002590515.26), dbSNP rs200529056, ClinGen allele CA10541674.